The following is an entry in ClinVar:

NM_000843.4(GRM6):c.2122C>T (p.Gln708Ter)

Genes: GRM6 (glutamate metabotropic receptor 6; minus strand), ZNF454 (zinc finger protein 454; plus strand). Cytogenetic location: 5q35.3.
Variant type: single nucleotide variant.
Coding change: c.2122C>T on transcript NM_000843.4 (MANE Select); coding-DNA position 2122, C replaced by T.
Protein change: p.Gln708Ter; replaces glutamine 708 with a stop codon.
Molecular consequence: nonsense.
Genome position (GRCh38, 1-based): chr5:178,986,132, G>A on the plus strand (C>T on the coding strand, the complement: GRM6 is on the minus strand). VCF-style: chr5-178986132-G-A. GRCh37 (hg19) VCF-style: chr5-178413133-G-A.
Other names: short protein forms Q708*.
Identifiers: ClinVar variation 5842 (VCV000005842.10), dbSNP rs62638624, ClinGen allele CA117802.

ClinVar aggregate classification (germline): Pathogenic. Review status: criteria provided, multiple submitters, no conflicts (2 of 4 stars). 5 submissions from 5 submitters: Pathogenic (3). 2 of the submissions do not count toward it. Last evaluated 2024-05-15.

Conditions:
GRM6-related disorders.
Retinal dystrophy. Also called: Inherited retinal dystrophy. Identifiers: Orphanet 71862, MedGen C0854723, MeSH D058499, MONDO:0019118, HP:0000556.
Congenital stationary night blindness 1B. Also called: Night blindness, congenital stationary (complete), 1B, autosomal recessive; NIGHT BLINDNESS, CONGENITAL STATIONARY, COMPLETE, AUTOSOMAL RECESSIVE. Identifiers: Orphanet 215, MedGen C1850362, MONDO:0009758, OMIM 257270.

Allele frequency attached by ClinVar (database versions not stated): gnomAD 0.00005 and 0.00006; TOPMed 0.00005; ExAC 0.00006.
gnomAD v4.1: 66 of 1,612,990 alleles (0.0041%); highest among the groups gnomAD compares: Admixed American, 0.017%; no homozygotes.

Submissions (5):

Labcorp Genetics (formerly Invitae), Labcorp
Classification: Pathogenic. Last evaluated: 2024-05-15. Review status: criteria provided, single submitter. Criteria: Invitae Variant Classification Sherloc (09022015). Collection method: clinical testing. Allele origin: germline.
Comment: This sequence change creates a premature translational stop signal (p.Gln708*) in the GRM6 gene. It is expected to result in an absent or disrupted protein product. Loss-of-function variants in GRM6 are known to be pathogenic (PMID: 15781871, 16622103, 22008250). This variant is present in population databases (rs62638624, gnomAD 0.01%). This premature translational stop signal has been observed in individual(s) with congenital stationary night blindness (PMID: 15781871, 22008250). ClinVar contains an entry for this variant (Variation ID: 5842). Algorithms developed to predict the effect of sequence changes on RNA splicing suggest that this variant may disrupt the consensus splice site. For these reasons, this variant has been classified as Pathogenic.

Blueprint Genetics
Classification: Pathogenic for GRM6-related disorders. Last evaluated: 2023-02-17. Review status: criteria provided, single submitter. Criteria: ACMG Guidelines, 2015. Collection method: clinical testing. Allele origin: germline. Affected: yes. Observed: 5 variant alleles.

Institute of Human Genetics, Univ. Regensburg, Univ. Regensburg
Classification: Pathogenic for Retinal dystrophy. Last evaluated: 2023-01-01. Review status: criteria provided, single submitter. Criteria: ACMG Guidelines, 2015. Collection method: clinical testing. Allele origin: germline. Affected: yes.

OMIM
Classification: Pathogenic for NIGHT BLINDNESS, CONGENITAL STATIONARY, TYPE 1B. Last evaluated: 2005-03-29. Review status: no assertion criteria provided. Collection method: literature only. Allele origin: germline. Not counted in ClinVar's aggregate classification.

Retina International
No classification provided. Review status: no classification provided. Collection method: not provided. Allele origin: not provided. Not counted in ClinVar's aggregate classification.

Literature cited by the submitters: PubMed 15781871 (cited by 3 submitters); PubMed 16622103 (cited by Labcorp Genetics (formerly Invitae), Labcorp); PubMed 22008250 (cited by Labcorp Genetics (formerly Invitae), Labcorp); PubMed 25525159 (cited by Institute of Human Genetics, Univ. Regensburg, Univ. Regensburg); PubMed 31589614 (cited by Institute of Human Genetics, Univ. Regensburg, Univ. Regensburg); PubMed 31964843 (cited by Institute of Human Genetics, Univ. Regensburg, Univ. Regensburg).